The following is an entry in ClinVar:

ClinVar aggregate classification (germline): Likely benign. Review status: criteria provided, single submitter (1 of 4 stars). 2 submissions from 2 submitters: Likely benign (1). 1 of the submissions does not count toward it. Last evaluated 2024-01-22.

Conditions:
NPHP1-related disorder. Also called: NPHP1-related disorders; NPHP1-related condition.
Nephronophthisis. Also called: Juvenile Nephronophthisis. Identifiers: Orphanet 655, MedGen C0687120, MONDO:0019005, HP:0000090.

gnomAD v4.1: 9 of 1,613,074 alleles (0.00056%); highest among the groups gnomAD compares: Middle Eastern, 0.016%; no homozygotes.

Submissions (2):

Labcorp Genetics (formerly Invitae), Labcorp
Classification: Likely benign for Nephronophthisis. Last evaluated: 2024-01-22. Review status: criteria provided, single submitter. Criteria: Invitae Variant Classification Sherloc (09022015). Collection method: clinical testing. Allele origin: germline.

PreventionGenetics, part of Exact Sciences
Classification: Uncertain significance for NPHP1-related condition. Last evaluated: 2024-08-13. Review status: no assertion criteria provided. Collection method: clinical testing. Allele origin: germline. Not counted in ClinVar's aggregate classification.
Comment: The NPHP1 c.330-4G>T variant is predicted to interfere with splicing. To our knowledge, this variant has not been reported in the literature. This variant is reported in 0.0029% of alleles in individuals of Latino descent in gnomAD. At this time, the clinical significance of this variant is uncertain due to the absence of conclusive functional and genetic evidence.

NM_001128178.3(NPHP1):c.330-4G>T

Gene: NPHP1 (nephrocystin 1; minus strand). Cytogenetic location: 2q13.
Variant type: single nucleotide variant.
Coding change: c.330-4G>T on transcript NM_001128178.3 (MANE Select); 4 bases into the intron before coding-DNA position 330, G replaced by T.
Molecular consequence: intron variant.
Genome position (GRCh38, 1-based): chr2:110,170,002, C>A on the plus strand (G>T on the coding strand, the complement: NPHP1 is on the minus strand). VCF-style: chr2-110170002-C-A. GRCh37 (hg19) VCF-style: chr2-110927579-C-A.
Other names: c.144-4G>T (NM_001128179.3); c.330-4G>T (NM_001374256.1, NM_001374257.1, NM_207181.4 and 2 more transcripts).
Identifiers: ClinVar variation 1464503 (VCV001464503.9), dbSNP rs774162169, ClinGen allele CA53519128.
Genomic context (GRCh38, chr2:110,170,002, plus strand): 5'-CTGTCTTCACTATCTTCACTTTCACTTTCTTCCTCTTCTTCAGTAGGTGCCCCAACTCTA[C>A]AAAAAGTGTTTCTGAGTAGGACTACTTGAAATAATATACAAGAACAGACCAGCTATGAGT-3'